The following is an entry in ClinVar:

ClinVar aggregate classification (germline): Pathogenic (1 of 4 stars; one submission).

Conditions:
Hereditary cancer-predisposing syndrome. Also called: Hereditary neoplastic syndrome; Neoplastic Syndromes, Hereditary; Tumor predisposition; Hereditary Cancer Syndrome. Identifiers: Orphanet 140162, MedGen C0027672, MeSH D009386, MONDO:0015356.

Submission:

Ambry Genetics
Classification: Pathogenic for Hereditary cancer-predisposing syndrome. Last evaluated: 2025-01-28. Review status: criteria provided, single submitter. Criteria: Ambry Variant Classification Scheme 2023. Collection method: clinical testing. Allele origin: germline.
Comment: The c.194delG pathogenic mutation, located in coding exon 2 of the BARD1 gene, results from a deletion of one nucleotide at nucleotide position 194, causing a translational frameshift with a predicted alternate stop codon (p.G65Dfs*11). This variant is considered to be rare based on population cohorts in the Genome Aggregation Database (gnomAD). This alteration is expected to result in loss of function by premature protein truncation or nonsense-mediated mRNA decay. As such, this alteration is interpreted as a disease-causing mutation.

NM_000465.4(BARD1):c.194del (p.Gly65fs)

Gene: BARD1 (BRCA1 associated RING domain 1; minus strand). Cytogenetic location: 2q35.
Variant type: Deletion.
Coding change: c.194del on transcript NM_000465.4 (MANE Select); coding-DNA position 194, one base deleted (G; older notation c.194delG).
Protein change: p.Gly65fs; shifts the reading frame from glycine 65.
Molecular consequence: frameshift variant. On other transcripts: non-coding transcript variant (2), intron variant (2).
Genome position (GRCh38, 1-based): chr2:214,797,082, C deleted on the plus strand (G on the coding strand, the reverse complement: BARD1 is on the minus strand); the first of 2 consecutive C bases (chr2:214,797,082-214,797,083); deleting either gives the same sequence. VCF-style (leftmost placement, unchanged base first): chr2-214797081-TC-T. GRCh37 (hg19) VCF-style: chr2-215661805-TC-T.
Other names: c.194del, p.Gly65fs (NM_001282545.2, NM_001282549.2); c.158+12330del (NM_001282548.2); c.159-4637del (NM_001282543.2); short protein forms G65fs.
Identifiers: ClinVar variation 3820507 (VCV003820507.1).